The following is an entry in ClinVar:

ClinVar aggregate classification (germline): Uncertain significance (1 of 4 stars; one submission).

gnomAD v4.1: 21 of 1,560,372 alleles (0.0013%); highest among the groups gnomAD compares: Non-Finnish European, 0.0018%; no homozygotes.

Submission:

Labcorp Genetics (formerly Invitae), Labcorp
Classification: Uncertain significance. Last evaluated: 2022-05-30. Review status: criteria provided, single submitter. Criteria: Invitae Variant Classification Sherloc (09022015). Collection method: clinical testing. Allele origin: germline.
Comment: This sequence change replaces glycine, which is neutral and non-polar, with arginine, which is basic and polar, at codon 14 of the ABHD5 protein (p.Gly14Arg). This variant is present in population databases (no rsID available, gnomAD 0.002%). This variant has not been reported in the literature in individuals affected with ABHD5-related conditions. Algorithms developed to predict the effect of missense changes on protein structure and function (SIFT, PolyPhen-2, Align-GVGD) all suggest that this variant is likely to be tolerated. In summary, the available evidence is currently insufficient to determine the role of this variant in disease. Therefore, it has been classified as a Variant of Uncertain Significance.

NM_016006.6(ABHD5):c.40G>C (p.Gly14Arg)

Genes: ABHD5 (abhydrolase domain containing 5, lysophosphatidic acid acyltransferase; plus strand), ANO10 (anoctamin 10; minus strand). Cytogenetic location: 3p21.33.
Variant type: single nucleotide variant.
Coding change: c.40G>C on transcript NM_016006.6 (MANE Select); coding-DNA position 40, G replaced by C.
Protein change: p.Gly14Arg; replaces glycine 14 with arginine.
Molecular consequence: missense variant. On other transcripts: non-coding transcript variant (1), intron variant (2).
Genome position (GRCh38, 1-based): chr3:43,691,032, G>C. VCF-style: chr3-43691032-G-C. GRCh37 (hg19) VCF-style: chr3-43732524-G-C.
Other names: c.40G>C, p.Gly14Arg (NM_001355186.2, NM_001365650.1); c.-12+485C>G (NM_001346469.2, NM_001346468.2); short protein forms G14R.
Identifiers: ClinVar variation 2001085 (VCV002001085.4), dbSNP rs773970748, ClinGen allele CA352343719.
Genomic context (GRCh38, chr3:43,691,032, plus strand): 5'-GGCGCTTGCGCGGCGGCGGCTATGGCGGCGGAGGAGGAGGAGGTGGACTCTGCCGACACC[G>C]GAGAGAGGTAAGCGCAGCCGGCAGGGGGCTTCGTGTGTCTCCGGCGCGCACCCTCCGCGC-3'
Protein context (NP_057090.2, residues 4-24): EEEEVDSADT[Gly14Arg]ERSGWLTGWL